The following is an entry in ClinVar:

NM_004525.3(LRP2):c.13935C>T (p.Thr4645=)

Gene: LRP2 (LDL receptor related protein 2; minus strand). Cytogenetic location: 2q31.1.
Variant type: single nucleotide variant.
Coding change: c.13935C>T on transcript NM_004525.3 (MANE Select); coding-DNA position 13935, C replaced by T.
Protein change: p.Thr4645=; no amino-acid change (threonine 4645 retained).
Molecular consequence: synonymous variant.
Genome position (GRCh38, 1-based): chr2:169,128,696, G>A on the plus strand (C>T on the coding strand, the complement: LRP2 is on the minus strand). VCF-style: chr2-169128696-G-A. GRCh37 (hg19) VCF-style: chr2-169985206-G-A.
Identifiers: ClinVar variation 726833 (VCV000726833.34), dbSNP rs150373759, ClinGen allele CA1952380.

ClinVar aggregate classification (germline): Benign/Likely benign. Review status: criteria provided, multiple submitters, no conflicts (2 of 4 stars). 4 submissions from 4 submitters: Benign (1); Likely benign (2). 1 of the submissions does not count toward it. Last evaluated 2026-01-25.

Conditions:
LRP2-related disorder. Also called: LRP2-related condition.

Allele frequency attached by ClinVar (database versions not stated): gnomAD 0.00137 and 0.00144; ESP Exome Variant Server 0.00146; 1000 Genomes Project 0.00160; 1000 Genomes Project 30x 0.00172; TOPMed 0.00175.
gnomAD v4.1: 472 of 1,613,998 alleles (0.029%); highest among the groups gnomAD compares: African/African-American, 0.49%; no homozygotes.

Submissions (4):

Labcorp Genetics (formerly Invitae), Labcorp
Classification: Benign. Last evaluated: 2026-01-25. Review status: criteria provided, single submitter. Criteria: Invitae Variant Classification Sherloc (09022015). Collection method: clinical testing. Allele origin: germline.

Blueprint Genetics
Classification: Likely benign. Last evaluated: 2024-10-28. Review status: criteria provided, single submitter. Criteria: ACMG Guidelines, 2015. Collection method: clinical testing. Allele origin: germline.

CeGaT Center for Human Genetics Tuebingen
Classification: Likely benign. Last evaluated: 2022-04-01. Review status: criteria provided, single submitter. Criteria: CeGaT Center For Human Genetics Tuebingen Variant Classification Criteria Version 2. Collection method: clinical testing. Allele origin: germline. Affected: yes. Observed: 1 variant allele.
Comment: LRP2: BP4, BP7

PreventionGenetics, part of Exact Sciences
Classification: Likely benign for LRP2-related condition. Last evaluated: 2019-11-26. Review status: no assertion criteria provided. Collection method: clinical testing. Allele origin: germline. Not counted in ClinVar's aggregate classification.
Comment: This variant is classified as likely benign based on ACMG/AMP sequence variant interpretation guidelines (Richards et al. 2015 PMID: 25741868, with internal and published modifications).